The following is an entry in ClinVar:

NM_000090.4(COL3A1):c.3093+5A>G

Gene: COL3A1 (collagen type III alpha 1 chain; plus strand). Cytogenetic location: 2q32.2.
Variant type: single nucleotide variant.
Coding change: c.3093+5A>G on transcript NM_000090.4 (MANE Select); 5 bases into the intron after coding-DNA position 3093, A replaced by G.
Molecular consequence: intron variant.
Genome position (GRCh38, 1-based): chr2:189,006,264, A>G. VCF-style: chr2-189006264-A-G. GRCh37 (hg19) VCF-style: chr2-189870990-A-G.
Identifiers: ClinVar variation 924717 (VCV000924717.7), dbSNP rs1688583785, ClinGen allele CA1139657569.

ClinVar aggregate classification (germline): Conflicting classifications of pathogenicity. Review status: criteria provided, conflicting classifications (1 of 4 stars). 3 submissions from 3 submitters: Uncertain significance (2); Likely benign (1). Last evaluated 2024-06-28.

Conditions:
Familial thoracic aortic aneurysm and aortic dissection (TAAD). Also called: Thoracic aortic aneurysms and dissections. Identifiers: Orphanet 91387, MedGen C4707243, MONDO:0019625.
Ehlers-Danlos syndrome, type 4 (EDSVASC). Also called: Ehlers-Danlos Syndrome Type IV; Ehlers-Danlos syndrome vascular type; Ehlers Danlos syndrome, ecchymotic type; Ehlers Danlos syndrome, arterial type; Ehlers Danlos syndrome, Sack-Barabas type. Identifiers: Orphanet 286, MedGen C0268338, MONDO:0017314, OMIM 130050.

Allele frequency attached by ClinVar (database versions not stated): gnomAD exomes below 0.00001; TOPMed below 0.00001.
gnomAD v4.1: 6 of 1,614,174 alleles (0.00037%); highest among the groups gnomAD compares: Non-Finnish European, 0.00017%; no homozygotes.

Submissions (3):

Labcorp Genetics (formerly Invitae), Labcorp
Classification: Uncertain significance for Ehlers-Danlos syndrome, type 4. Last evaluated: 2024-06-28. Review status: criteria provided, single submitter. Criteria: Invitae Variant Classification Sherloc (09022015). Collection method: clinical testing. Allele origin: germline.
Comment: This sequence change falls in intron 42 of the COL3A1 gene. It does not directly change the encoded amino acid sequence of the COL3A1 protein. It affects a nucleotide within the consensus splice site. This variant is not present in population databases (gnomAD no frequency). This variant has not been reported in the literature in individuals affected with COL3A1-related conditions. ClinVar contains an entry for this variant (Variation ID: 924717). Variants that disrupt the consensus splice site are a relatively common cause of aberrant splicing (PMID: 17576681, 9536098). Algorithms developed to predict the effect of sequence changes on RNA splicing suggest that this variant is not likely to affect RNA splicing. In summary, the available evidence is currently insufficient to determine the role of this variant in disease. Therefore, it has been classified as a Variant of Uncertain Significance.

Ambry Genetics
Classification: Uncertain significance for Familial thoracic aortic aneurysm and aortic dissection. Last evaluated: 2022-08-15. Review status: criteria provided, single submitter. Criteria: Ambry Variant Classification Scheme 2023. Collection method: clinical testing. Allele origin: germline.
Comment: The c.3093+5A>G intronic variant results from an A to G substitution 5 nucleotides after coding exon 42 in the COL3A1 gene. This nucleotide position is well conserved in available vertebrate species. In silico splice site analysis predicts that this alteration will not have any significant effect on splicing. Since supporting evidence is limited at this time, the clinical significance of this alteration remains unclear.

Color Diagnostics, LLC DBA Color Health
Classification: Likely benign for Familial thoracic aortic aneurysm and aortic dissection. Last evaluated: 2020-02-19. Review status: criteria provided, single submitter. Criteria: ACMG Guidelines, 2015. Collection method: clinical testing. Allele origin: germline.

Literature cited by the submitters: PubMed 17576681 (cited by Labcorp Genetics (formerly Invitae), Labcorp); PubMed 9536098 (cited by Labcorp Genetics (formerly Invitae), Labcorp).